The following is an entry in ClinVar:

ClinVar aggregate classification (germline): Uncertain significance (1 of 4 stars; one submission).

Conditions:
Cardiac arrhythmia. Also called: Cardiac rhythm disease; Arrhythmia. Identifiers: MedGen C0003811, MONDO:0007263, HP:0011675.

Allele frequency attached by ClinVar (database versions not stated): gnomAD exomes below 0.00001.
gnomAD v4.1: 2 of 1,613,814 alleles (0.00012%); highest among the groups gnomAD compares: Non-Finnish European, 0.000085%; no homozygotes.

Submission:

Color Diagnostics, LLC DBA Color Health
Classification: Uncertain significance for Cardiac arrhythmia. Last evaluated: 2019-09-27. Review status: criteria provided, single submitter. Criteria: ACMG Guidelines, 2015. Collection method: clinical testing. Allele origin: germline.
Comment: This missense variant replaces glutamic acid with lysine at codon 435 of the KCNQ1 protein. Computational prediction is inconclusive regarding the impact of this variant on protein structure and function (internally defined REVEL score threshold 0.5 < inconclusive < 0.7, PMID: 27666373). Splice site prediction tools suggest that this variant may not impact RNA splicing. To our knowledge, functional studies have not been performed for this variant. This variant has not been reported in individuals affected with cardiovascular disorders in the literature. This variant has not been identified in the general population by the Genome Aggregation Database (gnomAD). The available evidence is insufficient to determine the role of this variant in disease conclusively. Therefore, this variant is classified as a Variant of Uncertain Significance.

NM_000218.3(KCNQ1):c.1303G>A (p.Glu435Lys)

Gene: KCNQ1 (potassium voltage-gated channel subfamily Q member 1; plus strand). Cytogenetic location: 11p15.5.
Variant type: single nucleotide variant.
Coding change: c.1303G>A on transcript NM_000218.3 (MANE Select); coding-DNA position 1303, G replaced by A.
Protein change: p.Glu435Lys; replaces glutamic acid 435 with lysine.
Molecular consequence: missense variant.
Genome position (GRCh38, 1-based): chr11:2,588,764, G>A. VCF-style: chr11-2588764-G-A. GRCh37 (hg19) VCF-style: chr11-2609994-G-A.
Other names: c.1207G>A, p.Glu403Lys (NM_001406836.1); c.1033G>A, p.Glu345Lys (NM_001406837.1); c.763G>A, p.Glu255Lys (NM_001406838.1); c.922G>A, p.Glu308Lys (NM_181798.2); short protein forms E435K, E308K, E345K, E403K, E255K.
Identifiers: ClinVar variation 923088 (VCV000923088.6), dbSNP rs1848630440, ClinGen allele CA379135004.